The following is an entry in ClinVar:

ClinVar aggregate classification (germline): Uncertain significance (1 of 4 stars; one submission).

Allele frequency attached by ClinVar (database versions not stated): TOPMed below 0.00001.

Submission:

GeneDx
Classification: Uncertain significance. Last evaluated: 2024-09-20. Review status: criteria provided, single submitter. Criteria: GeneDx Variant Classification Process June 2021. Collection method: clinical testing. Allele origin: germline.
Comment: Not observed at significant frequency in large population cohorts (gnomAD); In silico analysis supports that this missense variant has a deleterious effect on protein structure/function; Has not been previously published as pathogenic or benign to our knowledge

NM_181303.2(NLGN3):c.2510C>T (p.Thr837Ile)

Gene: NLGN3 (neuroligin 3; plus strand). Cytogenetic location: Xq13.1.
Variant type: single nucleotide variant.
Coding change: c.2510C>T on transcript NM_181303.2 (MANE Select); coding-DNA position 2510, C replaced by T.
Protein change: p.Thr837Ile; replaces threonine 837 with isoleucine.
Molecular consequence: missense variant.
Genome position (GRCh38, 1-based): chrX:71,170,060, C>T. VCF-style: chrX-71170060-C-T. GRCh37 (hg19) VCF-style: chrX-70389910-C-T.
Other names: c.2390C>T, p.Thr797Ile (NM_001166660.2); c.2099C>T, p.Thr700Ile (NM_001321276.2); c.2450C>T, p.Thr817Ile (NM_018977.4); short protein forms T700I, T797I, T817I, T837I.
Identifiers: ClinVar variation 2504935 (VCV002504935.2), dbSNP rs778287494, ClinGen allele CA413569244.
Genomic context (GRCh38, chrX:71,170,060, plus strand): 5'-CCCTGGTAGGGCTGCAGACATTGCACCCCTATAACACCTTTGCCGCAGGGTTCAACAGTA[C>T]CGGGCTGCCCCACTCACACTCCACTACCCGGGTATAGCTCCAACTCAGAGCACAGCCAAT-3'
Protein context (NP_851820.1, residues 827-847): YNTFAAGFNS[Thr837Ile]GLPHSHSTTR